The following is an entry in ClinVar:

NM_000152.5(GAA):c.642C>T (p.Ser214=)

Gene: GAA (alpha glucosidase; plus strand). Cytogenetic location: 17q25.3.
Variant type: single nucleotide variant.
Coding change: c.642C>T on transcript NM_000152.5 (MANE Select); coding-DNA position 642, C replaced by T.
Protein change: p.Ser214=; no amino-acid change (serine 214 retained).
Molecular consequence: synonymous variant.
Genome position (GRCh38, 1-based): chr17:80,105,844, C>T. VCF-style: chr17-80105844-C-T. GRCh37 (hg19) VCF-style: chr17-78079643-C-T.
Other names: c.642C>T, p.Ser214= (NM_001079803.3, NM_001079804.3); c.642C>T, p.(=) (LRG_673t1).
Identifiers: ClinVar variation 92487 (VCV000092487.34), dbSNP rs1800301, ClinGen allele CA145788.
Genomic context (GRCh38, chr17:80,105,844, plus strand): 5'-CTTGGAGACCCCGCATGTCCACAGCCGGGCACCGTCCCCACTCTACAGCGTGGAGTTCTC[C>T]GAGGAGCCCTTCGGGGTGATCGTGCGCCGGCAGCTGGACGGCCGCGTGCTGTGAGTTCTG-3'
Protein context (NP_000143.2, residues 204-224): APSPLYSVEF[Ser214=]EEPFGVIVRR

ClinVar aggregate classification (germline): Benign. Review status: criteria provided, multiple submitters, no conflicts (2 of 4 stars). 18 submissions from 18 submitters: Benign (12). 6 of the submissions do not count toward it. Last evaluated 2026-02-04.

Conditions:
Glycogen storage disease, type II (IOPD). Also called: POMPE DISEASE, INFANTILE-ONSET; GLYCOGEN STORAGE DISEASE II, INFANTILE-ONSET; ACID ALPHA-GLUCOSIDASE DEFICIENCY, INFANTILE-ONSET; GAA DEFICIENCY, INFANTILE-ONSET; ACID MALTASE DEFICIENCY, INFANTILE-ONSET; Glucosidase acid-1,4-alpha deficiency. Identifiers: Orphanet 365, MedGen C0017921, MONDO:0009290, OMIM 232300.
Cardiovascular phenotype. Identifiers: MedGen CN230736.

Allele frequency attached by ClinVar (database versions not stated): 1000 Genomes Project 0.10603; 1000 Genomes Project 30x 0.10728; TOPMed 0.15263; gnomAD 0.16610; ESP Exome Variant Server 0.17223; gnomAD exomes 0.20619.
gnomAD v4.1: 325,017 of 1,608,148 alleles (20%); highest among the groups gnomAD compares: Middle Eastern, 30%; 35,416 homozygotes.

Submissions (18):

Labcorp Genetics (formerly Invitae), Labcorp
Classification: Benign for Glycogen storage disease, type II. Last evaluated: 2026-02-04. Review status: criteria provided, single submitter. Criteria: Invitae Variant Classification Sherloc (09022015). Collection method: clinical testing. Allele origin: germline.

Blueprint Genetics
Classification: Benign. Last evaluated: 2024-11-28. Review status: criteria provided, single submitter. Criteria: ACMG Guidelines, 2015. Collection method: clinical testing. Allele origin: germline.

Genome-Nilou Lab
Classification: Benign for Glycogen storage disease, type II. Last evaluated: 2021-06-10. Review status: criteria provided, single submitter. Criteria: ACMG Guidelines, 2015. Collection method: clinical testing. Allele origin: germline. Affected: no.

Ambry Genetics
Classification: Benign for Cardiovascular phenotype. Last evaluated: 2019-08-12. Review status: criteria provided, single submitter. Criteria: Ambry Variant Classification Scheme 2023. Collection method: clinical testing. Allele origin: germline.

Illumina Laboratory Services, Illumina
Classification: Benign for Glycogen storage disease, type II. Last evaluated: 2018-01-13. Review status: criteria provided, single submitter. Criteria: ICSL Variant Classification Criteria 13 December 2019. Collection method: clinical testing. Allele origin: germline.
Comment: This variant was observed in the ICSL laboratory as part of a predisposition screen in an ostensibly healthy population. It had not been previously curated by ICSL or reported in the Human Gene Mutation Database (HGMD: prior to June 1st, 2018), and was therefore a candidate for classification through an automated scoring system. Utilizing variant allele frequency, disease prevalence and penetrance estimates, and inheritance mode, an automated score was calculated to assess if this variant is too frequent to cause the disease. Based on the score and internal cut-off values, a variant classified as benign is not then subjected to further curation. The score for this variant resulted in a classification of benign for this disease.

Phosphorus, Inc.
Classification: Benign for Glycogen storage disease, type II. Last evaluated: 2017-08-01. Review status: criteria provided, single submitter. Criteria: ACMG Guidelines, 2015. Collection method: clinical testing. Allele origin: germline. Observed: 9 variant alleles.

Women's Health and Genetics/Laboratory Corporation of America, LabCorp
Classification: Benign. Last evaluated: 2016-03-08. Review status: criteria provided, single submitter. Criteria: LabCorp Variant Classification Summary - May 2015. Collection method: clinical testing. Allele origin: germline.
Comment: Variant summary: This GAA c.642C>T variant affects a non-conserved nucleotide, resulting in no amino acid change. 5/5 splice-site tools via Alamut predict that this variant does not affect normal splicing. This variant was found in 21664/120192 control chromosomes from ExAC at a frequency of 0.1802449, which is more than 42 times greater than the maximal expected frequency of a pathogenic allele (0.0042205) in this gene, suggesting this variant is benign. The variant has been cited in at least one adult glycogen storage disease type II patient with an alternative genetic explanation for their disease. In addition, multiple clinical laboratories have classified this variant as benign. Taken together, this variant has been classified as Benign.

GeneDx
Classification: Benign. Last evaluated: 2015-03-03. Review status: criteria provided, single submitter. Criteria: GeneDx Variant Classification Process June 2021. Collection method: clinical testing. Allele origin: germline. Affected: yes.

Eurofins Ntd Llc (ga)
Classification: Benign. Last evaluated: 2015-02-12. Review status: criteria provided, single submitter. Criteria: EGL Classification Definitions 2015. Collection method: clinical testing. Allele origin: germline. Observed: 35 variant alleles, 34 heterozygotes, 1 homozygote.

Genetic Services Laboratory, University of Chicago
Classification: Benign for AllHighlyPenetrant. Last evaluated: 2013-08-15. Review status: criteria provided, single submitter. Criteria: ACMG Guidelines, 2007. Collection method: clinical testing. Allele origin: germline. Inheritance: Autosomal recessive inheritance.

Breakthrough Genomics
Classification: Benign. Review status: criteria provided, single submitter. Criteria: ACMG Guidelines, 2015. Collection method: not provided. Allele origin: germline. Inheritance: Autosomal recessive inheritance. Affected: yes.

PreventionGenetics, part of Exact Sciences
Classification: Benign. Review status: criteria provided, single submitter. Criteria: ACMG Guidelines, 2015. Collection method: clinical testing. Allele origin: germline.

Natera, Inc.
Classification: Benign for Glycogen storage disease type II. Last evaluated: 2020-09-16. Review status: no assertion criteria provided. Collection method: clinical testing. Allele origin: germline. Not counted in ClinVar's aggregate classification.

Mayo Clinic Laboratories, Mayo Clinic
Classification: Benign. Last evaluated: 2015-10-19. Review status: no assertion criteria provided. Collection method: clinical testing. Allele origin: unknown. Not counted in ClinVar's aggregate classification.

Clinical Genetics DNA and cytogenetics Diagnostics Lab, Erasmus MC, Erasmus Medical Center
Classification: Benign. Review status: no assertion criteria provided. Collection method: clinical testing. Allele origin: germline. Affected: yes. Study: VKGL Data-share Consensus. Not counted in ClinVar's aggregate classification.

Diagnostic Laboratory, Department of Genetics, University Medical Center Groningen
Classification: Benign for Glycogen storage disease, type II. Review status: no assertion criteria provided. Collection method: clinical testing. Allele origin: germline. Affected: yes. Study: VKGL Data-share Consensus. Not counted in ClinVar's aggregate classification.

Genome Diagnostics Laboratory, University Medical Center Utrecht
Classification: Benign. Review status: no assertion criteria provided. Collection method: clinical testing. Allele origin: germline. Affected: yes. Study: VKGL Data-share Consensus. Not counted in ClinVar's aggregate classification.

Joint Genome Diagnostic Labs from Nijmegen and Maastricht, Radboudumc and MUMC+
Classification: Benign. Review status: no assertion criteria provided. Collection method: clinical testing. Allele origin: germline. Affected: yes. Study: VKGL Data-share Consensus. Not counted in ClinVar's aggregate classification.

Literature cited by the submitters: PubMed 18414213 (cited by Phosphorus, Inc.); PubMed 23757202 (cited by Phosphorus, Inc.); PubMed 2111708 (cited by Women's Health and Genetics/Laboratory Corporation of America, LabCorp); PubMed 8401535 (cited by Women's Health and Genetics/Laboratory Corporation of America, LabCorp).